The following is an entry in ClinVar:

ClinVar aggregate classification (germline): Uncertain significance. Review status: criteria provided, single submitter (1 of 4 stars). 2 submissions from 2 submitters: Uncertain significance (1). 1 of the submissions does not count toward it. Last evaluated 2023-10-01.

Conditions:
Cowden syndrome 7 (CWS7). Identifiers: Orphanet 201, MedGen C4225179, MONDO:0014802, OMIM 616858.

Allele frequency attached by ClinVar (database versions not stated): ExAC 0.00001; gnomAD 0.00001; gnomAD exomes 0.00001; TOPMed 0.00001.
gnomAD v4.1: 11 of 1,614,032 alleles (0.00068%); highest among the groups gnomAD compares: Non-Finnish European, 0.00093%; no homozygotes.

Submissions (3):

CeGaT Center for Human Genetics Tuebingen
Classification: Uncertain significance. Last evaluated: 2023-10-01. Review status: criteria provided, single submitter. Criteria: CeGaT Center For Human Genetics Tuebingen Variant Classification Criteria Version 2. Collection method: clinical testing. Allele origin: germline. Affected: yes. Observed: 1 variant allele.
Comment: SEC23B: PS4:Moderate, PP3, PS3:Supporting

OMIM
Classification: Pathogenic for COWDEN SYNDROME 7 (1 family). Last evaluated: 2022-10-07. Review status: no assertion criteria provided. Collection method: literature only. Allele origin: germline. Not counted in ClinVar's aggregate classification.

Dr. Peter K. Rogan Lab, Western University
No classification provided (evidence only). Condition: Sarcoma. Review status: no classification provided. Collection method: in vitro. Allele origin: not applicable. Functional consequence: retained intron. Not counted in ClinVar's aggregate classification.

Literature cited by the submitters: PubMed 26522472 (cited by OMIM).

NM_006363.6(SEC23B):c.1781T>G (p.Val594Gly)

Gene: SEC23B (SEC23 homolog B, COPII component; plus strand). Cytogenetic location: 20p11.23.
Variant type: single nucleotide variant.
Coding change: c.1781T>G on transcript NM_006363.6 (MANE Select); coding-DNA position 1781, T replaced by G.
Protein change: p.Val594Gly; replaces valine 594 with glycine.
Molecular consequence: missense variant.
Genome position (GRCh38, 1-based): chr20:18,548,646, T>G. VCF-style: chr20-18548646-T-G. GRCh37 (hg19) VCF-style: chr20-18529290-T-G.
Other names: NC_000020.10:g.18529290T>G; c.1781T>G, p.Val594Gly (NM_001172745.3, NM_032985.6, NM_032986.5); c.1727T>G, p.Val576Gly (NM_001172746.3); short protein forms V594G, V576G.
Identifiers: ClinVar variation 224507 (VCV000224507.28), dbSNP rs752366963, ClinGen allele CA352452.
Genomic context (GRCh38, chr20:18,548,646, plus strand): 5'-CTTTCCGTTCTTTGTGAATGCAGTTTATGTTCCATCTGAGAAGATCTCCATTTCTTCAAG[T>G]GTTTAACAACAGTCCTGATGAGTCGTCATATTACAGACATCATTTTGCCCGGCAGGACCT-3'
Protein context (NP_006354.2, residues 584-604): FHLRRSPFLQ[Val594Gly]FNNSPDESSY